The following is an entry in ClinVar:

ClinVar aggregate classification (germline): Uncertain significance. Review status: criteria provided, multiple submitters, no conflicts (2 of 4 stars). 2 submissions from 2 submitters: Uncertain significance (2). Last evaluated 2025-02-22.

Conditions:
Early-infantile DEE. Also called: Early infantile epileptic encephalopathy with suppression bursts; Early infantile epileptic encephalopathy; Ohtahara syndrome. Identifiers: Orphanet 1934, MedGen C0393706, MONDO:0800491.
Developmental and epileptic encephalopathy, 13 (DEE13). Also called: Early infantile epileptic encephalopathy 13; SCN8A-Related Epilepsy; Developmental and Epileptic Encephalopathy (SCN8A-DEE). Identifiers: Orphanet 442835, MedGen C3281191, MONDO:0013801, OMIM 614558.

Allele frequency attached by ClinVar (database versions not stated): ExAC 0.00006; 1000 Genomes Project 30x 0.00016; gnomAD exomes 0.00001; TOPMed below 0.00001; 1000 Genomes Project 0.00020.
gnomAD v4.1: 18 of 1,613,968 alleles (0.0011%); highest among the groups gnomAD compares: South Asian, 0.019%; no homozygotes.

Submissions (2):

Labcorp Genetics (formerly Invitae), Labcorp
Classification: Uncertain significance for Early-infantile DEE. Last evaluated: 2025-02-22. Review status: criteria provided, single submitter. Criteria: Invitae Variant Classification Sherloc (09022015). Collection method: clinical testing. Allele origin: germline.
Comment: This sequence change replaces aspartic acid, which is acidic and polar, with asparagine, which is neutral and polar, at codon 1035 of the SCN8A protein (p.Asp1035Asn). This variant is present in population databases (rs571608674, gnomAD 0.03%). This missense change has been observed in individual(s) with SCN8A-related conditions (PMID: 36801247). ClinVar contains an entry for this variant (Variation ID: 1878660). Invitae Evidence Modeling of protein sequence and biophysical properties (such as structural, functional, and spatial information, amino acid conservation, physicochemical variation, residue mobility, and thermodynamic stability) indicates that this missense variant is not expected to disrupt SCN8A protein function with a negative predictive value of 95%. In summary, the available evidence is currently insufficient to determine the role of this variant in disease. Therefore, it has been classified as a Variant of Uncertain Significance.

Neuberg Centre For Genomic Medicine, NCGM
Classification: Uncertain significance for Developmental and epileptic encephalopathy, 13. Review status: criteria provided, single submitter. Criteria: ACMG Guidelines, 2015. Collection method: clinical testing. Allele origin: germline. Affected: yes.
Comment: The missense variant p.D1035N in SCN8A (NM_014191.3) has not been reported previously as a pathogenic variant nor as a benign variant, to our knowledge. The missense variant c.3103G>A (p.D1035N) in SCN8A (NM_014191.4) is observed in 8/30574 (0.0262%) alleles from individuals of South Asian background in the gnomAD dataset (Exome Aggregation Consortium et al., 2016), but was not seen in the homozygous state. The p.D1035N missense variant is predicted to be damaging by both SIFT and PolyPhen2. The nucleotide c.3103 in SCN8A is predicted conserved by GERP++ and PhyloP across 100 vertebrates. For these reasons, this variant has been classified as Uncertain Significance.

Literature cited by the submitters: PubMed 36801247 (cited by Labcorp Genetics (formerly Invitae), Labcorp).

NM_001330260.2(SCN8A):c.3103G>A (p.Asp1035Asn)

Gene: SCN8A (sodium voltage-gated channel alpha subunit 8; plus strand). Cytogenetic location: 12q13.13.
Variant type: single nucleotide variant.
Coding change: c.3103G>A on transcript NM_001330260.2 (MANE Select); coding-DNA position 3103, G replaced by A.
Protein change: p.Asp1035Asn; replaces aspartic acid 1035 with asparagine.
Molecular consequence: missense variant.
Genome position (GRCh38, 1-based): chr12:51,769,066, G>A. VCF-style: chr12-51769066-G-A. GRCh37 (hg19) VCF-style: chr12-52162850-G-A.
Other names: c.3103G>A, p.Asp1035Asn (NM_001177984.3, NM_001369788.1, NM_014191.4); short protein forms D1035N.
Identifiers: ClinVar variation 1878660 (VCV001878660.4), dbSNP rs571608674, ClinGen allele CA6571545.